The following is an entry in ClinVar:

NM_001385641.1(SAMD11):c.924T>G (p.Cys308Trp)

Gene: SAMD11 (sterile alpha motif domain containing 11; plus strand). Cytogenetic location: 1p36.33.
Variant type: single nucleotide variant.
Coding change: c.924T>G on transcript NM_001385641.1 (MANE Select); coding-DNA position 924, T replaced by G.
Protein change: p.Cys308Trp; replaces cysteine 308 with tryptophan.
Molecular consequence: missense variant.
Genome position (GRCh38, 1-based): chr1:935,853, T>G. VCF-style: chr1-935853-T-G. GRCh37 (hg19) VCF-style: chr1-871233-T-G.
Other names: c.924T>G, p.Cys308Trp (NM_001385640.1); c.387T>G, p.Cys129Trp (NM_152486.4); short protein forms C308W, C129W.
Identifiers: ClinVar variation 2076576 (VCV002076576.4), dbSNP rs2522659576, ClinGen allele CA337797750.

ClinVar aggregate classification (germline): Uncertain significance (1 of 4 stars; one submission).

Submission:

Labcorp Genetics (formerly Invitae), Labcorp
Classification: Uncertain significance. Last evaluated: 2022-02-03. Review status: criteria provided, single submitter. Criteria: Invitae Variant Classification Sherloc (09022015). Collection method: clinical testing. Allele origin: germline.
Comment: This sequence change replaces cysteine, which is neutral and slightly polar, with tryptophan, which is neutral and slightly polar, at codon 129 of the SAMD11 protein (p.Cys129Trp). This variant is not present in population databases (gnomAD no frequency). This variant has not been reported in the literature in individuals affected with SAMD11-related conditions. Algorithms developed to predict the effect of missense changes on protein structure and function are either unavailable or do not agree on the potential impact of this missense change (SIFT: "Deleterious"; PolyPhen-2: "Probably Damaging"; Align-GVGD: "Class C0"). In summary, the available evidence is currently insufficient to determine the role of this variant in disease. Therefore, it has been classified as a Variant of Uncertain Significance.